The following is an entry in ClinVar:

NM_033100.4(CDHR1):c.1447G>C (p.Glu483Gln)

Gene: CDHR1 (cadherin related family member 1; plus strand). Cytogenetic location: 10q23.1.
Variant type: single nucleotide variant.
Coding change: c.1447G>C on transcript NM_033100.4 (MANE Select); coding-DNA position 1447, G replaced by C.
Protein change: p.Glu483Gln; replaces glutamic acid 483 with glutamine.
Molecular consequence: missense variant.
Genome position (GRCh38, 1-based): chr10:84,211,127, G>C. VCF-style: chr10-84211127-G-C. GRCh37 (hg19) VCF-style: chr10-85970883-G-C.
Other names: c.1447G>C, p.Glu483Gln (NM_001171971.3); short protein forms E483Q.
Identifiers: ClinVar variation 1721665 (VCV001721665.6), dbSNP rs1842323331, ClinGen allele CA377376888.

ClinVar aggregate classification (germline): Conflicting classifications of pathogenicity. Review status: criteria provided, conflicting classifications (1 of 4 stars). 2 submissions from 2 submitters: Likely pathogenic (1); Uncertain significance (1). Last evaluated 2022-10-18.

Conditions:
CDHR1-related disorders.

Submissions (2):

Labcorp Genetics (formerly Invitae), Labcorp
Classification: Uncertain significance. Last evaluated: 2022-10-18. Review status: criteria provided, single submitter. Criteria: Invitae Variant Classification Sherloc (09022015). Collection method: clinical testing. Allele origin: germline.
Comment: This sequence change replaces glutamic acid, which is acidic and polar, with glutamine, which is neutral and polar, at codon 483 of the CDHR1 protein (p.Glu483Gln). This variant is not present in population databases (gnomAD no frequency). This variant has not been reported in the literature in individuals affected with CDHR1-related conditions. Advanced modeling of protein sequence and biophysical properties (such as structural, functional, and spatial information, amino acid conservation, physicochemical variation, residue mobility, and thermodynamic stability) performed at Invitae indicates that this missense variant is expected to disrupt CDHR1 protein function. In summary, the available evidence is currently insufficient to determine the role of this variant in disease. Therefore, it has been classified as a Variant of Uncertain Significance.

Blueprint Genetics
Classification: Likely pathogenic for CDHR1-related disorders. Last evaluated: 2022-09-05. Review status: criteria provided, single submitter. Criteria: ACMG Guidelines, 2015. Collection method: clinical testing. Allele origin: germline. Affected: yes. Observed: 1 variant allele.